The following is an entry in ClinVar:

ClinVar aggregate classification (germline): Uncertain significance (1 of 4 stars; one submission).

Conditions:
Familial focal epilepsy with variable foci (FPEVF). Identifiers: Orphanet 98820, MedGen C1858477, MONDO:0020310.

Allele frequency attached by ClinVar (database versions not stated): gnomAD exomes 0.00001; ESP Exome Variant Server 0.00008; TOPMed below 0.00001; gnomAD 0.00001.
gnomAD v4.1: 16 of 1,531,306 alleles (0.001%); highest among the groups gnomAD compares: Non-Finnish European, 0.0014%; no homozygotes.

Submission:

Labcorp Genetics (formerly Invitae), Labcorp
Classification: Uncertain significance for Familial focal epilepsy with variable foci. Last evaluated: 2025-05-05. Review status: criteria provided, single submitter. Criteria: Invitae Variant Classification Sherloc (09022015). Collection method: clinical testing. Allele origin: germline.
Comment: This sequence change replaces tyrosine, which is neutral and polar, with histidine, which is basic and polar, at codon 255 of the DEPDC5 protein (p.Tyr255His). This variant is not present in population databases (gnomAD no frequency). This variant has not been reported in the literature in individuals affected with DEPDC5-related conditions. ClinVar contains an entry for this variant (Variation ID: 572955). Experimental studies and prediction algorithms are not available or were not evaluated, and the functional significance of this variant is currently unknown. In summary, the available evidence is currently insufficient to determine the role of this variant in disease. Therefore, it has been classified as a Variant of Uncertain Significance.

NM_001242896.3(DEPDC5):c.763T>C (p.Tyr255His)

Gene: DEPDC5 (DEP domain containing 5, GATOR1 subcomplex subunit; plus strand). Cytogenetic location: 22q12.2.
Variant type: single nucleotide variant.
Coding change: c.763T>C on transcript NM_001242896.3 (MANE Select); coding-DNA position 763, T replaced by C.
Protein change: p.Tyr255His; replaces tyrosine 255 with histidine.
Molecular consequence: missense variant. On other transcripts: non-coding transcript variant (5).
Genome position (GRCh38, 1-based): chr22:31,792,813, T>C. VCF-style: chr22-31792813-T-C. GRCh37 (hg19) VCF-style: chr22-32188799-T-C.
Other names: c.763T>C, p.Tyr255His (NM_001007188.4, NM_001136029.4, NM_001242897.2 and 7 more transcripts); c.679T>C, p.Tyr227His (NM_001369901.1, NM_001369902.1); short protein forms Y255H, Y227H.
Identifiers: ClinVar variation 572955 (VCV000572955.10), dbSNP rs372371916, ClinGen allele CA323347152.